The following is an entry in ClinVar:

ClinVar aggregate classification (germline): Uncertain significance (1 of 4 stars; one submission).

Conditions:
Multiple congenital exostosis (EXT). Also called: Hereditary multiple osteochondromas; Multiple exostoses; Multiple osteochondromas; MULTIPLE CARTILAGINOUS EXOSTOSES; Hereditary multiple exostoses; Hereditary multiple exostosis. Identifiers: Orphanet 321, MedGen C0015306, MONDO:0005508, HP:0002762.

Submission:

Labcorp Genetics (formerly Invitae), Labcorp
Classification: Uncertain significance for Multiple congenital exostosis. Last evaluated: 2023-10-29. Review status: criteria provided, single submitter. Criteria: Invitae Variant Classification Sherloc (09022015). Collection method: clinical testing. Allele origin: germline.
Comment: This sequence change replaces arginine, which is basic and polar, with proline, which is neutral and non-polar, at codon 440 of the EXT1 protein (p.Arg440Pro). This variant is not present in population databases (gnomAD no frequency). This variant has not been reported in the literature in individuals affected with EXT1-related conditions. Advanced modeling of protein sequence and biophysical properties (such as structural, functional, and spatial information, amino acid conservation, physicochemical variation, residue mobility, and thermodynamic stability) performed at Invitae indicates that this missense variant is not expected to disrupt EXT1 protein function with a negative predictive value of 80%. In summary, the available evidence is currently insufficient to determine the role of this variant in disease. Therefore, it has been classified as a Variant of Uncertain Significance.

NM_000127.3(EXT1):c.1319G>C (p.Arg440Pro)

Gene: EXT1 (exostosin glycosyltransferase 1; minus strand). Cytogenetic location: 8q24.11.
Variant type: single nucleotide variant.
Coding change: c.1319G>C on transcript NM_000127.3 (MANE Select); coding-DNA position 1319, G replaced by C.
Protein change: p.Arg440Pro; replaces arginine 440 with proline.
Molecular consequence: missense variant.
Genome position (GRCh38, 1-based): chr8:117,822,563, C>G on the plus strand (G>C on the coding strand, the complement: EXT1 is on the minus strand). VCF-style: chr8-117822563-C-G. GRCh37 (hg19) VCF-style: chr8-118834802-C-G.
Other names: short protein forms R440P.
Identifiers: ClinVar variation 2896018 (VCV002896018.3), dbSNP rs144550328, ClinGen allele CA371888025.